The following is an entry in ClinVar:

NM_000071.3(CBS):c.194A>G (p.His65Arg)

Gene: CBS (cystathionine beta-synthase; minus strand). Cytogenetic location: 21q22.3.
Variant type: single nucleotide variant.
Coding change: c.194A>G on transcript NM_000071.3 (MANE Select); coding-DNA position 194, A replaced by G.
Protein change: p.His65Arg; replaces histidine 65 with arginine.
Molecular consequence: missense variant.
Genome position (GRCh38, 1-based): chr21:43,072,000, T>C on the plus strand (A>G on the coding strand, the complement: CBS is on the minus strand). VCF-style: chr21-43072000-T-C. GRCh37 (hg19) VCF-style: chr21-44492110-T-C.
Other names: c.194A>G, p.His65Arg (NM_001178008.3, NM_001178009.3, NM_001320298.2); c.194A>G (NM_000071.2); short protein forms H65R.
Identifiers: ClinVar variation 1492630 (VCV001492630.9), dbSNP rs1191141364, ClinGen allele CA410602253.
Genomic context (GRCh38, chr21:43,072,000, plus strand): 5'-TCCAGGTTATGGATCAGCCCTCTTGTGATCAAAAGCAGGACTTACGGGGCAGTGTGGTGA[T>C]GTGGGGACTCGGAGGCAGGCCGGCCCAGCTGCCAGGTGCACCTGCTCGGAGCATCGGGCC-3'
Protein context (NP_000062.1, residues 55-75): QLGRPASESP[His65Arg]HHTAPAKSPK

ClinVar aggregate classification (germline): Pathogenic. Review status: criteria provided, multiple submitters, no conflicts (2 of 4 stars). 2 submissions from 2 submitters: Pathogenic (2). Last evaluated 2024-04-18.

Conditions:
HYPERHOMOCYSTEINEMIA, THROMBOTIC, CBS-RELATED. Identifiers: MedGen C3150344, OMIM 236200.

Allele frequency attached by ClinVar (database versions not stated): gnomAD exomes below 0.00001.

Submissions (2):

GeneDx
Classification: Pathogenic. Last evaluated: 2024-04-18. Review status: criteria provided, single submitter. Criteria: GeneDx Variant Classification Process June 2021. Collection method: clinical testing. Allele origin: germline. Affected: yes.
Comment: Identified in patients with homocytinuria in published literature and referred for genetic testing at GeneDx (PMID: 10687314, 11359213); two siblings had another CBS variant in trans and one patient had no second variant identified but had very low CBS enzyme activity; Not observed at significant frequency in large population cohorts (gnomAD); Published functional studies demonstrate a damaging effect on protein function and CBS enzyme activity (PMID: 11359213, 22267502, 10687314); In silico analysis supports that this missense variant has a deleterious effect on protein structure/function; This variant is associated with the following publications: (PMID: 22069143, 10687314, 20506325, 11926827, 20490928, 22267502, 36630448, 25331909, 11359213)

Labcorp Genetics (formerly Invitae), Labcorp
Classification: Pathogenic for HYPERHOMOCYSTEINEMIA, THROMBOTIC, CBS-RELATED. Last evaluated: 2024-02-13. Review status: criteria provided, single submitter. Criteria: Invitae Variant Classification Sherloc (09022015). Collection method: clinical testing. Allele origin: germline.
Comment: This sequence change replaces histidine, which is basic and polar, with arginine, which is basic and polar, at codon 65 of the CBS protein (p.His65Arg). This variant is present in population databases (no rsID available, gnomAD 0.0009%). This missense change has been observed in individual(s) with homocystinuria (PMID: 10687314). In at least one individual the data is consistent with being in trans (on the opposite chromosome) from a pathogenic variant. It has also been observed to segregate with disease in related individuals. ClinVar contains an entry for this variant (Variation ID: 1492630). Advanced modeling of protein sequence and biophysical properties (such as structural, functional, and spatial information, amino acid conservation, physicochemical variation, residue mobility, and thermodynamic stability) performed at Invitae indicates that this missense variant is expected to disrupt CBS protein function with a positive predictive value of 95%. Experimental studies have shown that this missense change affects CBS function (PMID: 10687314, 11926827, 22069143). For these reasons, this variant has been classified as Pathogenic.

Literature cited by the submitters: PubMed 10687314 (cited by Labcorp Genetics (formerly Invitae), Labcorp); PubMed 11926827 (cited by Labcorp Genetics (formerly Invitae), Labcorp); PubMed 22069143 (cited by Labcorp Genetics (formerly Invitae), Labcorp).